The following is an entry in ClinVar:

ClinVar aggregate classification (germline): Uncertain significance (1 of 4 stars; one submission).

Submission:

Labcorp Genetics (formerly Invitae), Labcorp
Classification: Uncertain significance. Last evaluated: 2021-07-03. Review status: criteria provided, single submitter. Criteria: Invitae Variant Classification Sherloc (09022015). Collection method: clinical testing. Allele origin: germline.
Comment: This sequence change replaces proline with arginine at codon 613 of the RBP3 protein (p.Pro613Arg). The proline residue is highly conserved and there is a moderate physicochemical difference between proline and arginine. This variant is not present in population databases (ExAC no frequency). This variant has not been reported in the literature in individuals affected with RBP3-related conditions. Algorithms developed to predict the effect of missense changes on protein structure and function are either unavailable or do not agree on the potential impact of this missense change (SIFT: "Deleterious"; PolyPhen-2: "Probably Damaging"; Align-GVGD: "Class C0"). In summary, the available evidence is currently insufficient to determine the role of this variant in disease. Therefore, it has been classified as a Variant of Uncertain Significance.

NM_002900.3(RBP3):c.1838C>G (p.Pro613Arg)

Gene: RBP3 (retinol binding protein 3; plus strand). Cytogenetic location: 10q11.22.
Variant type: single nucleotide variant.
Coding change: c.1838C>G on transcript NM_002900.3 (MANE Select); coding-DNA position 1838, C replaced by G.
Protein change: p.Pro613Arg; replaces proline 613 with arginine.
Molecular consequence: missense variant.
Genome position (GRCh38, 1-based): chr10:47,350,322, C>G. VCF-style: chr10-47350322-C-G. GRCh37 (hg19) VCF-style: chr10-48389040-G-C.
Other names: short protein forms P613R.
Identifiers: ClinVar variation 1379549 (VCV001379549.8), dbSNP rs1836946017, ClinGen allele CA376671583.
Genomic context (GRCh38, chr10:47,350,322, plus strand): 5'-TGCCGGTCCTCACCTTCATCGACAATCACGGCGAGGCCTGGCTGGGTGGTGGAGTGGTGC[C>G]CGATGCCATCGTGCTGGCCGAGGAGGCCCTGGACAAAGCCCAGGAAGTGCTGGAGTTCCA-3'
Protein context (NP_002891.1, residues 603-623): GEAWLGGGVV[Pro613Arg]DAIVLAEEAL